The following is an entry in ClinVar:

ClinVar aggregate classification (germline): Pathogenic. Review status: criteria provided, multiple submitters, no conflicts (2 of 4 stars). 2 submissions from 2 submitters: Pathogenic (2). Last evaluated 2024-01-19.

Conditions:
Primary ciliary dyskinesia. Also called: Ciliary dyskinesia. Identifiers: Orphanet 244, MedGen C0008780, MONDO:0016575, HP:0012265.
Primary ciliary dyskinesia 2. Also called: CILIARY DYSKINESIA, PRIMARY, 2, WITH OR WITHOUT SITUS INVERSUS. Identifiers: Orphanet 244, MedGen C1847554, MONDO:0011718, OMIM 606763.

Allele frequency attached by ClinVar (database versions not stated): ExAC 0.00001; gnomAD exomes below 0.00001.
gnomAD v4.1: 1 of 1,613,850 alleles (0.000062%); highest among the groups gnomAD compares: East Asian, 0.0022%; no homozygotes.

Submissions (2):

Labcorp Genetics (formerly Invitae), Labcorp
Classification: Pathogenic for Primary ciliary dyskinesia. Last evaluated: 2024-01-19. Review status: criteria provided, single submitter. Criteria: Invitae Variant Classification Sherloc (09022015). Collection method: clinical testing. Allele origin: germline.
Comment: This sequence change creates a premature translational stop signal (p.Trp64*) in the DNAAF3 gene. It is expected to result in an absent or disrupted protein product. Loss-of-function variants in DNAAF3 are known to be pathogenic (PMID: 22387996). This variant is present in population databases (rs760237737, gnomAD 0.02%). This variant has not been reported in the literature in individuals affected with DNAAF3-related conditions. For these reasons, this variant has been classified as Pathogenic.

Juno Genomics, Hangzhou Juno Genomics, Inc
Classification: Pathogenic for Primary ciliary dyskinesia 2. Review status: criteria provided, single submitter. Criteria: ACMG Guidelines, 2015. Collection method: clinical testing. Allele origin: germline. Affected: yes.
Comment: Absent from controls (or at extremely low frequency if recessive) in Genome Aggregation Database.;Null variant in a gene where loss of function (LOF) is a known mechanism of disease.;For recessive disorders, detected in trans with a pathogenic variant.;Patient's phenotype or family history is highly specific for a disease with a single genetic etiology.

Literature cited by the submitters: PubMed 22387996 (cited by Labcorp Genetics (formerly Invitae), Labcorp).

NM_001256715.2(DNAAF3):c.51G>A (p.Trp17Ter)

Genes: DNAAF3 (dynein axonemal assembly factor 3; minus strand), DNAAF3-AS1 (DNAAF3 antisense RNA 1; plus strand). Cytogenetic location: 19q13.42.
Variant type: single nucleotide variant.
Coding change: c.51G>A on transcript NM_001256715.2 (MANE Select); coding-DNA position 51, G replaced by A.
Protein change: p.Trp17Ter; replaces tryptophan 17 with a stop codon.
Molecular consequence: nonsense. On other transcripts: 5 prime UTR variant (1).
Genome position (GRCh38, 1-based): chr19:55,166,363, C>T on the plus strand (G>A on the coding strand, the complement: DNAAF3 is on the minus strand). VCF-style: chr19-55166363-C-T. GRCh37 (hg19) VCF-style: chr19-55677731-C-T.
Other names: c.192G>A, p.Trp64Ter (NM_001256714.1, NM_178837.4); c.-188G>A (NM_001256716.2); short protein forms W64*, W17*.
Identifiers: ClinVar variation 2741865 (VCV002741865.4), dbSNP rs760237737, ClinGen allele CA9668269.